The following is an entry in ClinVar:

NM_015450.3(POT1):c.71A>G (p.Asn24Ser)

Gene: POT1 (protection of telomeres 1; minus strand). Cytogenetic location: 7q31.33.
Variant type: single nucleotide variant.
Coding change: c.71A>G on transcript NM_015450.3 (MANE Select); coding-DNA position 71, A replaced by G.
Protein change: p.Asn24Ser; replaces asparagine 24 with serine.
Molecular consequence: missense variant. On other transcripts: 5 prime UTR variant (1), non-coding transcript variant (3).
Genome position (GRCh38, 1-based): chr7:124,892,319, T>C on the plus strand (A>G on the coding strand, the complement: POT1 is on the minus strand). VCF-style: chr7-124892319-T-C. GRCh37 (hg19) VCF-style: chr7-124532373-T-C.
Other names: c.-192A>G (NM_001042594.2); short protein forms N24S.
Identifiers: ClinVar variation 475097 (VCV000475097.21), dbSNP rs372235657, ClinGen allele CA4465511.

ClinVar aggregate classification (germline): Uncertain significance. Review status: criteria provided, multiple submitters, no conflicts (2 of 4 stars). 5 submissions from 5 submitters: Uncertain significance (4). 1 of the submissions does not count toward it. Last evaluated 2025-09-21.

Conditions:
Tumor predisposition syndrome 3 (TPDS3). Also called: Glioma susceptibility 9; LONG TELOMERE SYNDROME, POT1-RELATED; POT1 Tumor Predisposition; Melanoma, cutaneous malignant, susceptibility to, 10. Identifiers: Orphanet 618, MedGen C4014476, MONDO:0014368, OMIM 615848.
POT1-related disorder. Also called: POT1-related condition.
Hereditary cancer-predisposing syndrome. Also called: Hereditary neoplastic syndrome; Hereditary Cancer Syndrome; Neoplastic Syndromes, Hereditary; Tumor predisposition. Identifiers: Orphanet 140162, MedGen C0027672, MeSH D009386, MONDO:0015356.

Allele frequency attached by ClinVar (database versions not stated): gnomAD exomes 0.00002 and below 0.00001; gnomAD 0.00003; TOPMed 0.00006; ESP Exome Variant Server 0.00008; 1000 Genomes Project 30x 0.00016; 1000 Genomes Project 0.00020; ExAC 0.00002.

Submissions (5):

Labcorp Genetics (formerly Invitae), Labcorp
Classification: Uncertain significance for Tumor predisposition syndrome 3. Last evaluated: 2025-09-21. Review status: criteria provided, single submitter. Criteria: Invitae Variant Classification Sherloc (09022015). Collection method: clinical testing. Allele origin: germline.
Comment: This sequence change replaces asparagine, which is neutral and polar, with serine, which is neutral and polar, at codon 24 of the POT1 protein (p.Asn24Ser). This variant is present in population databases (rs372235657, gnomAD 0.03%). This variant has not been reported in the literature in individuals affected with POT1-related conditions. ClinVar contains an entry for this variant (Variation ID: 475097). Invitae Evidence Modeling of protein sequence and biophysical properties (such as structural, functional, and spatial information, amino acid conservation, physicochemical variation, residue mobility, and thermodynamic stability) indicates that this missense variant is not expected to disrupt POT1 protein function with a negative predictive value of 80%. In summary, the available evidence is currently insufficient to determine the role of this variant in disease. Therefore, it has been classified as a Variant of Uncertain Significance.

GeneDx
Classification: Uncertain significance. Last evaluated: 2025-09-10. Review status: criteria provided, single submitter. Criteria: GeneDx Variant Classification Process June 2021. Collection method: clinical testing. Allele origin: germline. Affected: yes.
Comment: Not observed at significant frequency in large population cohorts (gnomAD); In silico analysis supports that this missense variant has a deleterious effect on protein structure/function; Has not been previously published as pathogenic or benign to our knowledge; This variant is associated with the following publications: (PMID: 23502782, Bhattacharya2020[Computational], 28393830, 30556179)

Ambry Genetics
Classification: Uncertain significance for Hereditary cancer-predisposing syndrome. Last evaluated: 2024-02-23. Review status: criteria provided, single submitter. Criteria: Ambry Variant Classification Scheme 2023. Collection method: clinical testing. Allele origin: germline.
Comment: The p.N24S variant (also known as c.71A>G), located in coding exon 2 of the POT1 gene, results from an A to G substitution at nucleotide position 71. The asparagine at codon 24 is replaced by serine, an amino acid with highly similar properties. This amino acid position is highly conserved in available vertebrate species. In addition, this alteration is predicted to be tolerated by in silico analysis. Since supporting evidence is limited at this time, the clinical significance of this alteration remains unclear.

Quest Diagnostics Nichols Institute San Juan Capistrano
Classification: Uncertain significance. Last evaluated: 2024-02-02. Review status: criteria provided, single submitter. Criteria: Quest Diagnostics criteria. Collection method: clinical testing. Allele origin: unknown.
Comment: The POT1 c.71A>G (p.Asn24Ser) variant has been reported in the published literature as being identified in breast cancer tissue (PMID: 22722201 (2012)) and is predicted to reduce the stability of the POT1 protein using computational models (PMID: 30556179 (2019)), however further research is needed. The frequency of this variant in the general population, 0.00026 (3/11736 chromosomes in African/African American subpopulation (Genome Aggregation Database)), is higher than would generally be expected for pathogenic variants in this gene. Analysis of this variant using bioinformatics tools for the prediction of the effect of amino acid changes on protein structure and function yielded predictions that this variant is benign. Based on the available information, we are unable to determine the clinical significance of this variant.

PreventionGenetics, part of Exact Sciences
Classification: Uncertain significance for POT1-related condition. Last evaluated: 2024-08-12. Review status: no assertion criteria provided. Collection method: clinical testing. Allele origin: germline. Not counted in ClinVar's aggregate classification.
Comment: The POT1 c.71A>G variant is predicted to result in the amino acid substitution p.Asn24Ser. To our knowledge, this variant has not been reported in the literature. This variant is reported in 3 of ~189,000 alleles in gnomAD and is interpreted as a variant of uncertain significance in ClinVar. At this time, the clinical significance of this variant is uncertain due to the absence of conclusive functional and genetic evidence.

Literature cited by the submitters: PubMed 22722201 (cited by Quest Diagnostics Nichols Institute San Juan Capistrano); PubMed 23502782 (cited by Quest Diagnostics Nichols Institute San Juan Capistrano); PubMed 30556179 (cited by Quest Diagnostics Nichols Institute San Juan Capistrano).